The following is an entry in ClinVar:

ClinVar aggregate classification (germline): Uncertain significance (1 of 4 stars; one submission).

Conditions:
Neonatal encephalomyopathy-cardiomyopathy-respiratory distress syndrome. Also called: Coenzyme Q10 deficiency, primary, 7. Identifiers: Orphanet 457185, MedGen C5568562, MONDO:0014562, OMIM 616276.

Allele frequency attached by ClinVar (database versions not stated): ExAC 0.00001; gnomAD 0.00001; gnomAD exomes 0.00001; TOPMed 0.00001.

Submission:

Labcorp Genetics (formerly Invitae), Labcorp
Classification: Uncertain significance for Neonatal encephalomyopathy-cardiomyopathy-respiratory distress syndrome. Last evaluated: 2018-08-14. Review status: criteria provided, single submitter. Criteria: Invitae Variant Classification Sherloc (09022015). Collection method: clinical testing. Allele origin: germline.
Comment: This variant has not been reported in the literature in individuals with COQ4-related disease. This variant is present in population databases (rs754445455, ExAC 0.002%). This sequence change replaces aspartic acid with histidine at codon 132 of the COQ4 protein (p.Asp132His). The aspartic acid residue is moderately conserved and there is a moderate physicochemical difference between aspartic acid and histidine. Algorithms developed to predict the effect of missense changes on protein structure and function output the following: SIFT: "Deleterious"; PolyPhen-2: "Benign"; Align-GVGD: "Class C0". The histidine amino acid residue is found in multiple mammalian species, suggesting that this missense change does not adversely affect protein function. These predictions have not been confirmed by published functional studies and their clinical significance is uncertain. In summary, the available evidence is currently insufficient to determine the role of this variant in disease. Therefore, it has been classified as a Variant of Uncertain Significance.

NM_016035.5(COQ4):c.394G>C (p.Asp132His)

Gene: COQ4 (coenzyme Q4; plus strand). Cytogenetic location: 9q34.11.
Variant type: single nucleotide variant.
Coding change: c.394G>C on transcript NM_016035.5 (MANE Select); coding-DNA position 394, G replaced by C.
Protein change: p.Asp132His; replaces aspartic acid 132 with histidine.
Molecular consequence: missense variant.
Genome position (GRCh38, 1-based): chr9:128,325,873, G>C. VCF-style: chr9-128325873-G-C. GRCh37 (hg19) VCF-style: chr9-131088152-G-C.
Other names: c.297G>C, p.Trp99Cys (NM_001305942.2); short protein forms D132H, W99C.
Identifiers: ClinVar variation 649800 (VCV000649800.7), dbSNP rs754445455, ClinGen allele CA5260542.